The following is an entry in ClinVar:

ClinVar aggregate classification (germline): Likely benign. Review status: criteria provided, multiple submitters, no conflicts (2 of 4 stars). 2 submissions from 2 submitters: Likely benign (2). Last evaluated 2026-02-01.

Allele frequency attached by ClinVar (database versions not stated): ExAC 0.00003; gnomAD 0.00099; 1000 Genomes Project 30x 0.00265.
gnomAD v4.1: 1,785 of 1,464,896 alleles (0.12%); highest among the groups gnomAD compares: Middle Eastern, 0.94%; 15 homozygotes.

Submissions (2):

CeGaT Center for Human Genetics Tuebingen
Classification: Likely benign. Last evaluated: 2026-02-01. Review status: criteria provided, single submitter. Criteria: CeGaT Center For Human Genetics Tuebingen Variant Classification Criteria Version 2. Collection method: clinical testing. Allele origin: germline. Affected: yes. Observed: 3 variant alleles.
Comment: ZNF658: BS2

Ambry Genetics
Classification: Likely benign. Last evaluated: 2021-07-16. Review status: criteria provided, single submitter. Criteria: Ambry Variant Classification Scheme 2023. Collection method: clinical testing. Allele origin: germline.

NM_033160.7(ZNF658):c.271C>T (p.Arg91Trp)

Gene: ZNF658 (zinc finger protein 658; plus strand). Cytogenetic location: 9q21.11.
Variant type: single nucleotide variant.
Coding change: c.271C>T on transcript NM_033160.7 (MANE Select); coding-DNA position 271, C replaced by T.
Protein change: p.Arg91Trp; replaces arginine 91 with tryptophan.
Molecular consequence: missense variant. On other transcripts: non-coding transcript variant (1).
Genome position (GRCh38, 1-based): chr9:66,917,837, C>T. VCF-style: chr9-66917837-C-T. GRCh37 (hg19) VCF-style: chr9-40775004-G-A.
Other names: c.271C>T, p.Arg91Trp (NM_001317916.2); short protein forms R91W.
Identifiers: ClinVar variation 2364981 (VCV002364981.15), dbSNP rs748752930, ClinGen allele CA5066879.
Genomic context (GRCh38, chr9:66,917,837, plus strand): 5'-ACTATATTTTCAATTTTTCTCATTTTAGGGTATTTTAAAGTTGATCACATCAAAGGGATC[C>T]GGGAAAAACAAGAAAAACCTCTGTGGCAAGAAATATTCATCAGTGATGCTGACAAAACAT-3'
Protein context (NP_149350.3, residues 81-101): YFKVDHIKGI[Arg91Trp]EKQEKPLWQE